The following is an entry in ClinVar:

NC_000006.11:g.(?_162864322)_(162864525_?)dup

Gene: PRKN (parkin RBR E3 ubiquitin protein ligase; minus strand). Cytogenetic location: 6q26.
Variant type: Duplication.
Identifiers: ClinVar variation 468582 (VCV000468582.5).

ClinVar aggregate classification (germline): Pathogenic. Review status: criteria provided, single submitter (1 of 4 stars). 2 submissions from 1 submitter: Pathogenic (1). 1 of the submissions does not count toward it. Last evaluated 2022-10-25.

Conditions:
Autosomal recessive juvenile Parkinson disease 2. Also called: PARKINSON DISEASE, JUVENILE, AUTOSOMAL RECESSIVE; PRKN-Related Early-Onset Parkinson Disease; Parkinson disease, juvenile, type 2; Parkinson disease autosomal recessive, early onset; Juvenile parkinsonism; Parkinsonism, early onset, with diurnal fluctuation. Identifiers: Orphanet 2828, MedGen C1868675, MONDO:0010820, OMIM 600116.

Submissions (2):

Labcorp Genetics (formerly Invitae), Labcorp
Classification: Pathogenic. Last evaluated: 2022-10-25. Review status: criteria provided, single submitter. Criteria: Invitae Variant Classification Sherloc (09022015). Collection method: clinical testing. Allele origin: germline.
Comment: This variant results in a copy number gain of the genomic region encompassing exon(s) 2 of the PRKN gene. While the exact position of this variant cannot be determined from the data, sub-genic copy number gains are generally in tandem (PMID: 25640679). This variant is predicted to be out-of-frame, and may result in an absent or disrupted protein product. Loss-of-function variants in PRKN are known to be pathogenic (PMID: 10072423, 20301651, 22956510). A similar copy number variant has been observed in individual(s) with Parkinson's disease (PMID: 12116199, 25833766). In at least one individual the data is consistent with being in trans (on the opposite chromosome) from a pathogenic variant. For these reasons, this variant has been classified as Pathogenic.

Labcorp Genetics (formerly Invitae), Labcorp
Classification: Pathogenic for Autosomal recessive juvenile Parkinson disease 2. Last evaluated: 2017-10-12. Review status: flagged submission. Criteria: Invitae Variant Classification Sherloc (09022015). Collection method: clinical testing. Allele origin: germline. Not counted in ClinVar's aggregate classification.
Comment: This variant is a gross duplication of the genomic region encompassing exon 2 of the PARK2 gene. While the exact position of the duplicated exons cannot be determined from this data, the duplicated copy of this region is likely in tandem and may result in an absent or disrupted protein product. This variant has been observed on the opposite chromosome (in trans) from a pathogenic variant in an individual affected with Parkinson's disease (PMID: 12116199). This finding is consistent with autosomal recessive inheritance, and suggests that this variant contributes to disease. This variantÂ¬â€ has also been reported in the heterozygous state in an individual affected with early-onset Parkinson's disease, but no second PARK2 variant was identified (PMID: 25833766). Sub-genic duplications are generally in tandem (PMID: 25640679), and result in an absent or disrupted protein. For these reasons, this variant has been classified as Pathogenic.
ClinVar note: Reason: This record appears to be redundant with a more recent record from the same submitter.
ClinVar note: Notes: SCV000645376 appears to be redundant with SCV002243974.

Literature cited by the submitters: PubMed 25640679; PubMed 10072423; PubMed 20301651; PubMed 22956510; PubMed 12116199; PubMed 25833766.